The following is an entry in ClinVar:

ClinVar aggregate classification (germline): Uncertain significance. Review status: criteria provided, multiple submitters, no conflicts (2 of 4 stars). 2 submissions from 2 submitters: Uncertain significance (2). Last evaluated 2025-10-28.

Conditions:
Intellectual disability, autosomal recessive 42 (NEDDSBA). Also called: Neurodevelopmental disorder with dysmorphic features, spasticity, and brain abnormalities; GLYCOSYLPHOSPHATIDYLINOSITOL BIOSYNTHESIS DEFECT 9. Identifiers: Orphanet 88616, MedGen C4014343, MONDO:0014348, OMIM 615802.
Inborn genetic diseases. Identifiers: MedGen C0950123, MeSH D030342.

Allele frequency attached by ClinVar (database versions not stated): gnomAD exomes 0.00001; TOPMed 0.00001.

Submissions (2):

Ambry Genetics
Classification: Uncertain significance for Inborn genetic diseases. Last evaluated: 2025-10-28. Review status: criteria provided, single submitter. Criteria: Ambry Variant Classification Scheme 2023. Collection method: clinical testing. Allele origin: germline.

Labcorp Genetics (formerly Invitae), Labcorp
Classification: Uncertain significance for Intellectual disability, autosomal recessive 42. Last evaluated: 2022-05-25. Review status: criteria provided, single submitter. Criteria: Invitae Variant Classification Sherloc (09022015). Collection method: clinical testing. Allele origin: germline.
Comment: This variant is present in population databases (no rsID available, gnomAD 0.009%). This sequence change replaces serine, which is neutral and polar, with proline, which is neutral and non-polar, at codon 791 of the PGAP1 protein (p.Ser791Pro). In summary, the available evidence is currently insufficient to determine the role of this variant in disease. Therefore, it has been classified as a Variant of Uncertain Significance. Algorithms developed to predict the effect of missense changes on protein structure and function are either unavailable or do not agree on the potential impact of this missense change (SIFT: "Deleterious"; PolyPhen-2: "Benign"; Align-GVGD: "Class C15"). This variant has not been reported in the literature in individuals affected with PGAP1-related conditions.

NM_024989.4(PGAP1):c.2371T>C (p.Ser791Pro)

Gene: PGAP1 (post-GPI attachment to proteins inositol deacylase 1; minus strand). Cytogenetic location: 2q33.1.
Variant type: single nucleotide variant.
Coding change: c.2371T>C on transcript NM_024989.4 (MANE Select); coding-DNA position 2371, T replaced by C.
Protein change: p.Ser791Pro; replaces serine 791 with proline.
Molecular consequence: missense variant.
Genome position (GRCh38, 1-based): chr2:196,844,042, A>G on the plus strand (T>C on the coding strand, the complement: PGAP1 is on the minus strand). VCF-style: chr2-196844042-A-G. GRCh37 (hg19) VCF-style: chr2-197708766-A-G.
Other names: c.1849T>C, p.Ser617Pro (NM_001321099.2); c.1204T>C, p.Ser402Pro (NM_001321100.2); c.2371T>C (NM_024989.3); short protein forms S402P, S617P, S791P.
Identifiers: ClinVar variation 2154133 (VCV002154133.5), dbSNP rs1052446928, ClinGen allele CA62802680.